The following is an entry in ClinVar:

ClinVar aggregate classification (germline): Uncertain significance (1 of 4 stars; one submission).

Submission:

Centre for Mendelian Genomics, University Medical Centre Ljubljana
Classification: Uncertain significance. Last evaluated: 2018-10-16. Review status: criteria provided, single submitter. Criteria: ACMG Guidelines, 2015. Collection method: clinical testing. Allele origin: unknown. Affected: yes.
Comment: This variant was classified as: Uncertain significance. The available evidence on this variant's pathogenicity is insufficient or conflicting. The following ACMG criteria were applied in classifying this variant: PM2.

NM_020196.3(XAB2):c.2267-1G>T

Gene: XAB2 (XPA binding protein 2; minus strand). Cytogenetic location: 19p13.2.
Variant type: single nucleotide variant.
Coding change: c.2267-1G>T on transcript NM_020196.3 (MANE Select); the canonical splice acceptor site of the intron before coding-DNA position 2267, G replaced by T.
Molecular consequence: splice acceptor variant.
Genome position (GRCh38, 1-based): chr19:7,620,076, C>A on the plus strand (G>T on the coding strand, the complement: XAB2 is on the minus strand). VCF-style: chr19-7620076-C-A. GRCh37 (hg19) VCF-style: chr19-7684962-C-A.
Identifiers: ClinVar variation 930724 (VCV000930724.3), dbSNP rs2030995839, ClinGen allele CA403142195.